The following is an entry in ClinVar:

NM_001378183.1(PIEZO2):c.2606T>C (p.Met869Thr)

Gene: PIEZO2 (piezo type mechanosensitive ion channel component 2; minus strand). Cytogenetic location: 18p11.22.
Variant type: single nucleotide variant.
Coding change: c.2606T>C on transcript NM_001378183.1 (MANE Select); coding-DNA position 2606, T replaced by C.
Protein change: p.Met869Thr; replaces methionine 869 with threonine.
Molecular consequence: missense variant.
Genome position (GRCh38, 1-based): chr18:10,773,591, A>G on the plus strand (T>C on the coding strand, the complement: PIEZO2 is on the minus strand). VCF-style: chr18-10773591-A-G. GRCh37 (hg19) VCF-style: chr18-10773589-A-G.
Other names: c.2606T>C, p.Met869Thr (NM_001410871.1); c.2531T>C, p.Met844Thr (NM_022068.4); short protein forms M844T, M869T.
Identifiers: ClinVar variation 3902846 (VCV003902846.1).

ClinVar aggregate classification (germline): Uncertain significance (1 of 4 stars; one submission).

Submission:

GeneDx
Classification: Uncertain significance. Last evaluated: 2024-12-10. Review status: criteria provided, single submitter. Criteria: GeneDx Variant Classification Process June 2021. Collection method: clinical testing. Allele origin: germline. Affected: yes.
Comment: Not observed at significant frequency in large population cohorts (gnomAD); In silico analysis indicates that this missense variant does not alter protein structure/function; Has not been previously published as pathogenic or benign to our knowledge